The following is an entry in ClinVar:

ClinVar aggregate classification (germline): Uncertain significance. Review status: criteria provided, multiple submitters, no conflicts (2 of 4 stars). 2 submissions from 2 submitters: Uncertain significance (2). Last evaluated 2025-10-15.

Conditions:
Inborn genetic diseases. Identifiers: MedGen C0950123, MeSH D030342.

Allele frequency attached by ClinVar (database versions not stated): gnomAD 0.00001; ESP Exome Variant Server 0.00008; gnomAD exomes below 0.00001; TOPMed 0.00002.
gnomAD v4.1: 9 of 1,581,586 alleles (0.00057%); highest among the groups gnomAD compares: African/African-American, 0.0081%; no homozygotes.

Submissions (2):

Ambry Genetics
Classification: Uncertain significance for Inborn genetic diseases. Last evaluated: 2025-10-15. Review status: criteria provided, single submitter. Criteria: Ambry Variant Classification Scheme 2023. Collection method: clinical testing. Allele origin: germline.

Labcorp Genetics (formerly Invitae), Labcorp
Classification: Uncertain significance. Last evaluated: 2021-12-09. Review status: criteria provided, single submitter. Criteria: Invitae Variant Classification Sherloc (09022015). Collection method: clinical testing. Allele origin: germline.
Comment: Algorithms developed to predict the effect of missense changes on protein structure and function are either unavailable or do not agree on the potential impact of this missense change (SIFT: "Not Available"; PolyPhen-2: "Possibly Damaging"; Align-GVGD: "Not Available"). In summary, the available evidence is currently insufficient to determine the role of this variant in disease. Therefore, it has been classified as a Variant of Uncertain Significance. This variant has not been reported in the literature in individuals affected with TOP3A-related conditions. This sequence change replaces threonine, which is neutral and polar, with isoleucine, which is neutral and non-polar, at codon 420 of the TOP3A protein (p.Thr420Ile). This variant is not present in population databases (gnomAD no frequency).

NM_004618.5(TOP3A):c.1259C>T (p.Thr420Ile)

Gene: TOP3A (DNA topoisomerase III alpha; minus strand). Cytogenetic location: 17p11.2.
Variant type: single nucleotide variant.
Coding change: c.1259C>T on transcript NM_004618.5 (MANE Select); coding-DNA position 1259, C replaced by T.
Protein change: p.Thr420Ile; replaces threonine 420 with isoleucine.
Molecular consequence: missense variant.
Genome position (GRCh38, 1-based): chr17:18,292,667, G>A on the plus strand (C>T on the coding strand, the complement: TOP3A is on the minus strand). VCF-style: chr17-18292667-G-A. GRCh37 (hg19) VCF-style: chr17-18195981-G-A.
Other names: c.974C>T, p.Thr325Ile (NM_001320759.2); c.1259C>T (NM_004618.3); short protein forms T420I, T325I.
Identifiers: ClinVar variation 1500419 (VCV001500419.6), dbSNP rs139890510, ClinGen allele CA288451508.
Genomic context (GRCh38, chr17:18,292,667, plus strand): 5'-TATGGGTTCCAGCAGGCAGTACATTCAGGGAAACCAACCTGTAAGTTGTTGGTGTATTTG[G>A]TGGGGTGAATGGGAGGGTGAGCTTGGTCAGACTTGTTCCCATTGCGTGGGGTGGGACCAC-3'
Protein context (NP_004609.1, residues 410-430): SDQAHPPIHP[Thr420Ile]KYTNNLQGDE